The following is an entry in ClinVar:

NM_000288.4(PEX7):c.570A>G (p.Val190=)

Gene: PEX7 (peroxisomal biogenesis factor 7; plus strand). Cytogenetic location: 6q23.3.
Variant type: single nucleotide variant.
Coding change: c.570A>G on transcript NM_000288.4 (MANE Select); coding-DNA position 570, A replaced by G.
Protein change: p.Val190=; no amino-acid change (valine 190 retained).
Molecular consequence: synonymous variant.
Genome position (GRCh38, 1-based): chr6:136,866,670, A>G. VCF-style: chr6-136866670-A-G. GRCh37 (hg19) VCF-style: chr6-137187808-A-G.
Other names: c.570A>G (NM_000288.3).
Identifiers: ClinVar variation 1127670 (VCV001127670.11), dbSNP rs1392688180, ClinGen allele CA452227814.

ClinVar aggregate classification (germline): Likely benign. Review status: criteria provided, multiple submitters, no conflicts (2 of 4 stars). 3 submissions from 3 submitters: Likely benign (3). Last evaluated 2025-12-24.

Conditions:
Peroxisome biogenesis disorder 9B. Also called: PEX7-Related Refsum Disease; PEROXISOME BIOGENESIS DISORDER, PEX7-RELATED, ATYPICAL; Refsum disease, adult, 2. Identifiers: Orphanet 773, MedGen C2749346, MONDO:0013945, OMIM 614879.
PEX7-related disorder. Also called: PEX7-related disorders; PEX7-related condition. Identifiers: MedGen CN239409.

Allele frequency attached by ClinVar (database versions not stated): gnomAD exomes below 0.00001 and 0.00002.
gnomAD v4.1: 13 of 1,614,088 alleles (0.00081%); highest among the groups gnomAD compares: Non-Finnish European, 0.0011%; no homozygotes.

Submissions (3):

Labcorp Genetics (formerly Invitae), Labcorp
Classification: Likely benign for Peroxisome biogenesis disorder 9B. Last evaluated: 2025-12-24. Review status: criteria provided, single submitter. Criteria: Invitae Variant Classification Sherloc (09022015). Collection method: clinical testing. Allele origin: germline.

PreventionGenetics, part of Exact Sciences
Classification: Likely benign for PEX7-related condition. Last evaluated: 2025-07-08. Review status: criteria provided, single submitter. Criteria: ACMG Guidelines, 2015. Collection method: clinical testing. Allele origin: germline.
Comment: This variant is classified as likely benign based on ACMG/AMP sequence variant interpretation guidelines (Richards et al. 2015 PMID: 25741868, with internal and published modifications).

Blueprint Genetics
Classification: Likely benign. Last evaluated: 2024-06-05. Review status: criteria provided, single submitter. Criteria: ACMG Guidelines, 2015. Collection method: clinical testing. Allele origin: germline.